The following is an entry in ClinVar:

NM_001130438.3(SPTAN1):c.1420C>G (p.Arg474Gly)

Gene: SPTAN1 (spectrin alpha, non-erythrocytic 1; plus strand). Cytogenetic location: 9q34.11.
Variant type: single nucleotide variant.
Coding change: c.1420C>G on transcript NM_001130438.3 (MANE Select); coding-DNA position 1420, C replaced by G.
Protein change: p.Arg474Gly; replaces arginine 474 with glycine.
Molecular consequence: missense variant.
Genome position (GRCh38, 1-based): chr9:128,581,018, C>G. VCF-style: chr9-128581018-C-G. GRCh37 (hg19) VCF-style: chr9-131343297-C-G.
Other names: c.1420C>G, p.Arg474Gly (NM_001195532.2, NM_001363759.2, NM_001363765.2 and 5 more transcripts); c.1456C>G, p.Arg486Gly (NM_001375312.2, NM_001375318.1); short protein forms R474G, R486G.
Identifiers: ClinVar variation 3369932 (VCV003369932.2).

ClinVar aggregate classification (germline): Uncertain significance (1 of 4 stars; one submission).

gnomAD v4.1: 1 of 1,614,074 alleles (0.000062%); highest among the groups gnomAD compares: South Asian, 0.0011%; no homozygotes.

Submission:

GeneDx
Classification: Uncertain significance. Last evaluated: 2024-12-23. Review status: criteria provided, single submitter. Criteria: GeneDx Variant Classification Process June 2021. Collection method: clinical testing. Allele origin: germline.
Comment: Not observed at significant frequency in large population cohorts (gnomAD); In silico analysis supports that this missense variant has a deleterious effect on protein structure/function; Has not been previously published as pathogenic or benign to our knowledge